The following is an entry in ClinVar:

ClinVar aggregate classification (germline): Uncertain significance (1 of 4 stars; one submission).

Conditions:
Polycystic kidney disease 3 with or without polycystic liver disease. Also called: POLYCYSTIC KIDNEY DISEASE, ADULT, TYPE III; Polycystic kidney disease 3; Polycystic Kidney and/or Polycystic Liver Disease 3. Identifiers: MedGen C3887964, MONDO:0010916, OMIM 600666.

Submission:

Victorian Clinical Genetics Services, Murdoch Childrens Research Institute
Classification: Uncertain significance for Polycystic kidney disease 3 with or without polycystic liver disease. Last evaluated: 2024-10-10. Review status: criteria provided, single submitter. Criteria: ACMG Guidelines, 2015. Collection method: clinical testing. Allele origin: germline. Inheritance: Autosomal recessive inheritance. Affected: yes.
Comment: Based on the classification scheme VCGS_Germline_v1.3.5, this variant is classified as VUS-3B. Following criteria are met: 0102 - Loss of function is a known mechanism of disease in this gene and is associated with polycystic kidney disease 3 (MIM#600666). (I) 0107 - This gene is associated with autosomal dominant disease. (I) 0200 - Variant is predicted to result in a missense amino acid change from leucine to proline. (I) 0251 - This variant is heterozygous. (I) 0301 - Variant is absent from gnomAD (v2, v3 and v4). (SP) 0501 - Missense variant consistently predicted to be damaging by multiple in silico tools or highly conserved with a major amino acid change. (SP) 0600 - Variant is located in the annotated glycosyl hydrolase 31 N-terminal galactose mutarotase-like domain (DECIPHER). (I) 0705 - No comparable missense variants have previous evidence for pathogenicity. (I) 0807 - This variant has no previous evidence of pathogenicity. (I) 0905 - No published segregation evidence has been identified for this variant. (I) 1007 - No published functional evidence has been identified for this variant. (I) 1208 - Inheritance information for this variant is not currently available in this individual. (I) Legend: (SP) - Supporting pathogenic, (I) - Information, (SB) - Supporting benign

NM_198334.3(GANAB):c.266T>C (p.Leu89Pro)

Gene: GANAB (glucosidase II alpha subunit; minus strand). Cytogenetic location: 11q12.3.
Variant type: single nucleotide variant.
Coding change: c.266T>C on transcript NM_198334.3 (MANE Select); coding-DNA position 266, T replaced by C.
Protein change: p.Leu89Pro; replaces leucine 89 with proline.
Molecular consequence: missense variant. On other transcripts: 5 prime UTR variant (5), intron variant (2).
Genome position (GRCh38, 1-based): chr11:62,639,097, A>G on the plus strand (T>C on the coding strand, the complement: GANAB is on the minus strand). VCF-style: chr11-62639097-A-G. GRCh37 (hg19) VCF-style: chr11-62406569-A-G.
Other names: c.-26T>C (NM_001278194.2, NM_001329222.2, NM_001329223.2); c.-511T>C (NM_001329224.2, NM_001329225.2); c.266T>C, p.Leu89Pro (NM_198335.4); c.39-4097T>C (NM_001278193.2, NM_001278192.2); short protein forms L89P.
Identifiers: ClinVar variation 3377191 (VCV003377191.1).